The following is an entry in ClinVar:

NM_133497.4(KCNV2):c.1144A>G (p.Met382Val)

Gene: KCNV2 (potassium voltage-gated channel modifier subfamily V member 2; plus strand). Cytogenetic location: 9p24.2.
Variant type: single nucleotide variant.
Coding change: c.1144A>G on transcript NM_133497.4 (MANE Select); coding-DNA position 1144, A replaced by G.
Protein change: p.Met382Val; replaces methionine 382 with valine.
Molecular consequence: missense variant.
Genome position (GRCh38, 1-based): chr9:2,718,883, A>G. VCF-style: chr9-2718883-A-G. GRCh37 (hg19) VCF-style: chr9-2718883-A-G.
Other names: short protein forms M382V.
Identifiers: ClinVar variation 937726 (VCV000937726.9), dbSNP rs757516625, ClinGen allele CA372802141.

ClinVar aggregate classification (germline): Uncertain significance (1 of 4 stars; one submission).

gnomAD v4.1: 6 of 1,608,968 alleles (0.00037%); highest among the groups gnomAD compares: Non-Finnish European, 0.00051%; no homozygotes.

Submission:

Labcorp Genetics (formerly Invitae), Labcorp
Classification: Uncertain significance. Last evaluated: 2022-02-05. Review status: criteria provided, single submitter. Criteria: Invitae Variant Classification Sherloc (09022015). Collection method: clinical testing. Allele origin: germline.
Comment: This sequence change replaces methionine, which is neutral and non-polar, with valine, which is neutral and non-polar, at codon 382 of the KCNV2 protein (p.Met382Val). This variant is not present in population databases (gnomAD no frequency). This variant has not been reported in the literature in individuals affected with KCNV2-related conditions. ClinVar contains an entry for this variant (Variation ID: 937726). Algorithms developed to predict the effect of missense changes on protein structure and function are either unavailable or do not agree on the potential impact of this missense change (SIFT: "Deleterious"; PolyPhen-2: "Possibly Damaging"; Align-GVGD: "Class C0"). Algorithms developed to predict the effect of sequence changes on RNA splicing suggest that this variant may create or strengthen a splice site. In summary, the available evidence is currently insufficient to determine the role of this variant in disease. Therefore, it has been classified as a Variant of Uncertain Significance.